The following is an entry in ClinVar:

ClinVar aggregate classification (germline): Uncertain significance. Review status: criteria provided, multiple submitters, no conflicts (2 of 4 stars). 4 submissions from 4 submitters: Uncertain significance (4). Last evaluated 2024-08-29.

Conditions:
Intestinal hypomagnesemia 1. Also called: HYPOMAGNESEMIA, INTESTINAL, WITH SECONDARY HYPOCALCEMIA; HYPOMAGNESEMIC TETANY. Identifiers: Orphanet 30924, MedGen C1865974, MONDO:0011176, OMIM 602014.

Allele frequency attached by ClinVar (database versions not stated): gnomAD exomes below 0.00001 and 0.00001; gnomAD 0.00001; TOPMed 0.00003.
gnomAD v4.1: 10 of 1,613,844 alleles (0.00062%); highest among the groups gnomAD compares: African/African-American, 0.004%; no homozygotes.

Submissions (4):

Department of Human Genetics, Hannover Medical School
Classification: Uncertain significance for Intestinal hypomagnesemia 1. Last evaluated: 2024-08-29. Review status: criteria provided, single submitter. Criteria: ACMG Guidelines, 2015. Collection method: clinical testing. Allele origin: germline. Inheritance: Autosomal recessive inheritance. Affected: yes.

GeneDx
Classification: Uncertain significance. Last evaluated: 2023-06-15. Review status: criteria provided, single submitter. Criteria: GeneDx Variant Classification Process June 2021. Collection method: clinical testing. Allele origin: germline. Affected: yes.
Comment: In silico analysis supports that this missense variant has a deleterious effect on protein structure/function; Has not been previously published as pathogenic or benign to our knowledge

Fulgent Genetics
Classification: Uncertain significance for Intestinal hypomagnesemia 1. Last evaluated: 2022-04-24. Review status: criteria provided, single submitter. Criteria: ACMG Guidelines, 2015. Collection method: clinical testing. Allele origin: unknown.

Illumina Laboratory Services, Illumina
Classification: Uncertain significance for Intestinal hypomagnesemia 1. Last evaluated: 2018-01-13. Review status: criteria provided, single submitter. Criteria: ICSL Variant Classification Criteria 13 December 2019. Collection method: clinical testing. Allele origin: germline.

NM_017662.5(TRPM6):c.2087C>T (p.Thr696Met)

Gene: TRPM6 (transient receptor potential cation channel subfamily M member 6; minus strand). Cytogenetic location: 9q21.13.
Variant type: single nucleotide variant.
Coding change: c.2087C>T on transcript NM_017662.5 (MANE Select); coding-DNA position 2087, C replaced by T.
Protein change: p.Thr696Met; replaces threonine 696 with methionine.
Molecular consequence: missense variant.
Genome position (GRCh38, 1-based): chr9:74,800,405, G>A on the plus strand (C>T on the coding strand, the complement: TRPM6 is on the minus strand). VCF-style: chr9-74800405-G-A. GRCh37 (hg19) VCF-style: chr9-77415321-G-A.
Other names: c.2072C>T, p.Thr691Met (NM_001177310.2, NM_001177311.2); short protein forms T691M, T696M.
Identifiers: ClinVar variation 913009 (VCV000913009.7), dbSNP rs962152569, ClinGen allele CA194304194.